The following is an entry in ClinVar:

NM_016356.5(DCDC2):c.1326+59C>T

Gene: DCDC2 (doublecortin domain containing 2; minus strand). Cytogenetic location: 6p22.3.
Variant type: single nucleotide variant.
Coding change: c.1326+59C>T on transcript NM_016356.5 (MANE Select); 59 bases into the intron after coding-DNA position 1326, C replaced by T.
Molecular consequence: intron variant.
Genome position (GRCh38, 1-based): chr6:24,178,271, G>A on the plus strand (C>T on the coding strand, the complement: DCDC2 is on the minus strand). VCF-style: chr6-24178271-G-A. GRCh37 (hg19) VCF-style: chr6-24178499-G-A.
Other names: NC_000006.11:g.24178499G>A; c.1326+59C>T (NM_001195610.2).
Identifiers: ClinVar variation 683198 (VCV000683198.2), dbSNP rs78242664, ClinGen allele CA136622202.

ClinVar aggregate classification (germline): Benign (1 of 4 stars; one submission).

Allele frequency attached by ClinVar (database versions not stated): 1000 Genomes Project 0.06749; gnomAD 0.07052; 1000 Genomes Project 30x 0.07089; TOPMed 0.08242.
gnomAD v4.1: 53,079 of 1,512,924 alleles (3.5%); highest among the groups gnomAD compares: African/African-American, 20%; 2,177 homozygotes.

Submissions (5):

GeneDx
Classification: Benign. Last evaluated: 2018-06-16. Review status: criteria provided, single submitter. Criteria: GeneDx Variant Classification (06012015). Collection method: clinical testing. Allele origin: germline. Affected: yes.
Comment: This variant is considered likely benign or benign based on one or more of the following criteria: it is a conservative change, it occurs at a poorly conserved position in the protein, it is predicted to be benign by multiple in silico algorithms, and/or has population frequency not consistent with disease.

Dr. Peter K. Rogan Lab, Western University
No classification provided (evidence only). Condition: Thymoma. Review status: no classification provided. Collection method: in vitro. Allele origin: not applicable. Functional consequence: retained intron. Not counted in ClinVar's aggregate classification.

Dr. Peter K. Rogan Lab, Western University
No classification provided (evidence only). Condition: Ovarian serous cystadenocarcinoma. Review status: no classification provided. Collection method: in vitro. Allele origin: not applicable. Functional consequence: retained intron. Not counted in ClinVar's aggregate classification.

Dr. Peter K. Rogan Lab, Western University
No classification provided (evidence only). Condition: Ovarian serous cystadenocarcinoma. Review status: no classification provided. Collection method: in vitro. Allele origin: not applicable. Functional consequence: retained intron. Not counted in ClinVar's aggregate classification.

Dr. Peter K. Rogan Lab, Western University
No classification provided (evidence only). Condition: Gastric cancer. Review status: no classification provided. Collection method: in vitro. Allele origin: not applicable. Functional consequence: retained intron. Not counted in ClinVar's aggregate classification.